The following is an entry in ClinVar:

NM_016151.4(TAOK2):c.1206G>A (p.Met402Ile)

Gene: TAOK2 (TAO kinase 2; plus strand). Cytogenetic location: 16p11.2.
Variant type: single nucleotide variant.
Coding change: c.1206G>A on transcript NM_016151.4 (MANE Select); coding-DNA position 1206, G replaced by A.
Protein change: p.Met402Ile; replaces methionine 402 with isoleucine.
Molecular consequence: missense variant.
Genome position (GRCh38, 1-based): chr16:29,983,278, G>A. VCF-style: chr16-29983278-G-A. GRCh37 (hg19) VCF-style: chr16-29994599-G-A.
Other names: c.1206G>A, p.Met402Ile (NM_001252043.2, NM_004783.4); short protein forms M402I.
Identifiers: ClinVar variation 2807569 (VCV002807569.3), dbSNP rs2069676384, ClinGen allele CA395480833.

ClinVar aggregate classification (germline): Uncertain significance (1 of 4 stars; one submission).

Submission:

Labcorp Genetics (formerly Invitae), Labcorp
Classification: Uncertain significance. Last evaluated: 2025-01-06. Review status: criteria provided, single submitter. Criteria: Invitae Variant Classification Sherloc (09022015). Collection method: clinical testing. Allele origin: germline.
Comment: This sequence change replaces methionine, which is neutral and non-polar, with isoleucine, which is neutral and non-polar, at codon 402 of the TAOK2 protein (p.Met402Ile). This variant is not present in population databases (gnomAD no frequency). This variant has not been reported in the literature in individuals affected with TAOK2-related conditions. ClinVar contains an entry for this variant (Variation ID: 2807569). An algorithm developed to predict the effect of missense changes on protein structure and function (PolyPhen-2) suggests that this variant is likely to be tolerated. In summary, the available evidence is currently insufficient to determine the role of this variant in disease. Therefore, it has been classified as a Variant of Uncertain Significance.